The following is an entry in ClinVar:

NM_001363.5(DKC1):c.113T>G (p.Ile38Ser)

Gene: DKC1 (dyskerin pseudouridine synthase 1; plus strand). Cytogenetic location: Xq28.
Variant type: single nucleotide variant.
Coding change: c.113T>G on transcript NM_001363.5 (MANE Select); coding-DNA position 113, T replaced by G.
Protein change: p.Ile38Ser; replaces isoleucine 38 with serine.
Molecular consequence: missense variant. On other transcripts: non-coding transcript variant (3).
Genome position (GRCh38, 1-based): chrX:154,765,472, T>G. VCF-style: chrX-154765472-T-G. GRCh37 (hg19) VCF-style: chrX-153993747-T-G.
Other names: c.113T>G, p.Ile38Ser (NM_001142463.3, NM_001288747.2); short protein forms I38S.
Identifiers: ClinVar variation 3667184 (VCV003667184.2).

ClinVar aggregate classification (germline): Uncertain significance (1 of 4 stars; one submission).

Conditions:
Dyskeratosis congenita. Identifiers: Orphanet 1775, MedGen C0265965, MONDO:0015780.

Submission:

Labcorp Genetics (formerly Invitae), Labcorp
Classification: Uncertain significance for Dyskeratosis congenita. Last evaluated: 2025-01-07. Review status: criteria provided, single submitter. Criteria: Invitae Variant Classification Sherloc (09022015). Collection method: clinical testing. Allele origin: germline.
Comment: This sequence change replaces isoleucine, which is neutral and non-polar, with serine, which is neutral and polar, at codon 38 of the DKC1 protein (p.Ile38Ser). This variant is not present in population databases (gnomAD no frequency). This variant has not been reported in the literature in individuals affected with DKC1-related conditions. Invitae Evidence Modeling of protein sequence and biophysical properties (such as structural, functional, and spatial information, amino acid conservation, physicochemical variation, residue mobility, and thermodynamic stability) has been performed for this missense variant. However, the output from this modeling did not meet the statistical confidence thresholds required to predict the impact of this variant on DKC1 protein function. In summary, the available evidence is currently insufficient to determine the role of this variant in disease. Therefore, it has been classified as a Variant of Uncertain Significance.